The following is an entry in ClinVar:

NM_001042492.3(NF1):c.5427G>A (p.Pro1809=)

Gene: NF1 (neurofibromin 1; plus strand). Cytogenetic location: 17q11.2.
Variant type: single nucleotide variant.
Coding change: c.5427G>A on transcript NM_001042492.3 (MANE Select); coding-DNA position 5427, G replaced by A.
Protein change: p.Pro1809=; no amino-acid change (proline 1809 retained).
Molecular consequence: synonymous variant.
Genome position (GRCh38, 1-based): chr17:31,327,657, G>A. VCF-style: chr17-31327657-G-A. GRCh37 (hg19) VCF-style: chr17-29654675-G-A.
Other names: c.5364G>A, p.Pro1788= (NM_000267.4).
Identifiers: ClinVar variation 707105 (VCV000707105.19), dbSNP rs1281695642, ClinGen allele CA499446077.

ClinVar aggregate classification (germline): Conflicting classifications of pathogenicity. Review status: criteria provided, conflicting classifications (1 of 4 stars). 4 submissions from 4 submitters: Uncertain significance (1); Benign (1); Likely benign (2). Last evaluated 2026-05-20.

Conditions:
Hereditary cancer-predisposing syndrome. Also called: Hereditary Cancer Syndrome; Hereditary neoplastic syndrome; Neoplastic Syndromes, Hereditary; Tumor predisposition. Identifiers: Orphanet 140162, MedGen C0027672, MeSH D009386, MONDO:0015356.
Cardiovascular phenotype. Identifiers: MedGen CN230736.
Neurofibromatosis, type 1 (NF1). Also called: Neurofibromatosis, type I; VON RECKLINGHAUSEN DISEASE; NEUROFIBROMATOSIS, TYPE I, SOMATIC; Peripheral type neurofibromatosis. Identifiers: Orphanet 636, MedGen C0027831, MONDO:0018975, OMIM 162200. Disease mechanism: loss of function.

Allele frequency attached by ClinVar (database versions not stated): gnomAD exomes below 0.00001.

Submissions (4):

Myriad Genetics, Inc.
Classification: Benign for Neurofibromatosis, type 1. Last evaluated: 2026-05-20. Review status: criteria provided, single submitter. Criteria: Myriad Autosomal Dominant, Autosomal Recessive and X-Linked Classification Criteria (2023). Collection method: clinical testing. Allele origin: unknown.
Comment: This variant is considered benign. This variant is a silent/synonymous amino acid change and it is not expected to impact splicing.

Labcorp Genetics (formerly Invitae), Labcorp
Classification: Likely benign for Neurofibromatosis, type 1. Last evaluated: 2025-09-23. Review status: criteria provided, single submitter. Criteria: Invitae Variant Classification Sherloc (09022015). Collection method: clinical testing. Allele origin: germline.

Genetic Services Laboratory, University of Chicago
Classification: Uncertain significance. Last evaluated: 2020-03-31. Review status: criteria provided, single submitter. Criteria: ACMG Guidelines, 2015. Collection method: clinical testing. Allele origin: germline. Affected: no.

Ambry Genetics
Classification: Likely benign for Cardiovascular phenotype; Hereditary cancer-predisposing syndrome. Last evaluated: 2018-03-07. Review status: criteria provided, single submitter. Criteria: Ambry Variant Classification Scheme 2023. Collection method: clinical testing. Allele origin: germline.